The following is an entry in ClinVar:

NM_000722.4(CACNA2D1):c.1874-310A>G

Gene: CACNA2D1 (calcium voltage-gated channel auxiliary subunit alpha2delta 1; minus strand). Cytogenetic location: 7q21.11.
Variant type: single nucleotide variant.
Coding change: c.1874-310A>G on transcript NM_000722.4 (MANE Select); 310 bases into the intron before coding-DNA position 1874, A replaced by G.
Molecular consequence: intron variant.
Genome position (GRCh38, 1-based): chr7:81,983,644, T>C on the plus strand (A>G on the coding strand, the complement: CACNA2D1 is on the minus strand). VCF-style: chr7-81983644-T-C. GRCh37 (hg19) VCF-style: chr7-81612960-T-C.
Other names: c.1930+991A>G (NM_001366867.1).
Identifiers: ClinVar variation 669609 (VCV000669609.1), dbSNP rs34029083, ClinGen allele CA12651071.

ClinVar aggregate classification (germline): Benign (1 of 4 stars; one submission).

Allele frequency attached by ClinVar (database versions not stated): 1000 Genomes Project 0.03215; 1000 Genomes Project 30x 0.03264; gnomAD 0.05335 and 0.05411; TOPMed 0.05354.
gnomAD v4.1: 8,186 of 152,238 alleles (5.4%); highest among the groups gnomAD compares: Non-Finnish European, 8.5%; 280 homozygotes.

Submission:

GeneDx
Classification: Benign. Last evaluated: 2018-06-14. Review status: criteria provided, single submitter. Criteria: GeneDx Variant Classification (06012015). Collection method: clinical testing. Allele origin: germline. Affected: yes.
Comment: This variant is considered likely benign or benign based on one or more of the following criteria: it is a conservative change, it occurs at a poorly conserved position in the protein, it is predicted to be benign by multiple in silico algorithms, and/or has population frequency not consistent with disease.